The following is an entry in ClinVar:

ClinVar aggregate classification (germline): Uncertain significance (1 of 4 stars; one submission).

Conditions:
Hypertrophic cardiomyopathy. Also called: HYPERTROPHIC MYOCARDIOPATHY. Identifiers: Orphanet 217569, MedGen C0007194, MeSH D002312, MONDO:0005045, HP:0001639.

Submission:

Labcorp Genetics (formerly Invitae), Labcorp
Classification: Uncertain significance for Hypertrophic cardiomyopathy. Last evaluated: 2024-05-08. Review status: criteria provided, single submitter. Criteria: Invitae Variant Classification Sherloc (09022015). Collection method: clinical testing. Allele origin: germline.
Comment: This sequence change replaces glutamic acid, which is acidic and polar, with lysine, which is basic and polar, at codon 1787 of the MYH7 protein (p.Glu1787Lys). This variant is not present in population databases (gnomAD no frequency). This variant has not been reported in the literature in individuals affected with MYH7-related conditions. ClinVar contains an entry for this variant (Variation ID: 1948645). Advanced modeling of protein sequence and biophysical properties (such as structural, functional, and spatial information, amino acid conservation, physicochemical variation, residue mobility, and thermodynamic stability) performed at Invitae indicates that this missense variant is expected to disrupt MYH7 protein function with a positive predictive value of 95%. In summary, the available evidence is currently insufficient to determine the role of this variant in disease. Therefore, it has been classified as a Variant of Uncertain Significance.

NM_000257.4(MYH7):c.5359G>A (p.Glu1787Lys)

Gene: MYH7 (myosin heavy chain 7; minus strand). Cytogenetic location: 14q11.2.
Variant type: single nucleotide variant.
Coding change: c.5359G>A on transcript NM_000257.4 (MANE Select); coding-DNA position 5359, G replaced by A.
Protein change: p.Glu1787Lys; replaces glutamic acid 1787 with lysine.
Molecular consequence: missense variant.
Genome position (GRCh38, 1-based): chr14:23,415,195, C>T on the plus strand (G>A on the coding strand, the complement: MYH7 is on the minus strand). VCF-style: chr14-23415195-C-T. GRCh37 (hg19) VCF-style: chr14-23884404-C-T.
Other names: c.5359G>A, p.Glu1787Lys (NM_001407004.1); short protein forms E1787K.
Identifiers: ClinVar variation 1948645 (VCV001948645.5), dbSNP rs1085308025, ClinGen allele CA389035734.